The following is an entry in ClinVar:

ClinVar aggregate classification (germline): Conflicting classifications of pathogenicity. Review status: criteria provided, conflicting classifications (1 of 4 stars). 2 submissions from 2 submitters: Uncertain significance (1); Likely benign (1). Last evaluated 2025-05-21.

Conditions:
Wilson disease (WND). Also called: Wilson's disease. Identifiers: Orphanet 905, MedGen C0019202, MONDO:0010200, OMIM 277900. Disease mechanism: loss of function.

Submissions (2):

Labcorp Genetics (formerly Invitae), Labcorp
Classification: Likely benign for Wilson disease. Last evaluated: 2025-05-21. Review status: criteria provided, single submitter. Criteria: Invitae Variant Classification Sherloc (09022015). Collection method: clinical testing. Allele origin: germline.

All of Us Research Program, National Institutes of Health
Classification: Uncertain significance for Wilson disease. Last evaluated: 2023-02-24. Review status: criteria provided, single submitter. Criteria: ACMG Guidelines, 2015. Collection method: clinical testing. Allele origin: germline. Inheritance: Autosomal recessive inheritance. Observed: 1 variant allele, 1 heterozygote.
Comment: This variant causes a G to T nucleotide substitution at the -13 position of intron 9 of the ATP7B gene. Splice site prediction tools are inconclusive regarding the impact of this variant on RNA splicing. To our knowledge, functional studies have not been reported for this variant. This variant has not been reported in individuals affected with wilson disease in the literature. This variant has not been identified in the general population by the Genome Aggregation Database (gnomAD). The available evidence is insufficient to determine the role of this variant in disease conclusively. Therefore, this variant is classified as a Variant of Uncertain Significance.

This study involves interpretation of variants in research participants for the purpose of population health screening. Participant phenotype was not available at the time of variant classification. Additional details can be found in publication PMID: 35346344, PMCID: PMC8962531

NM_000053.4(ATP7B):c.2448-13G>T

Gene: ATP7B (ATPase copper transporting beta; minus strand). Cytogenetic location: 13q14.3.
Variant type: single nucleotide variant.
Coding change: c.2448-13G>T on transcript NM_000053.4 (MANE Select); 13 bases into the intron before coding-DNA position 2448, G replaced by T.
Molecular consequence: intron variant.
Genome position (GRCh38, 1-based): chr13:51,950,412, C>A on the plus strand (G>T on the coding strand, the complement: ATP7B is on the minus strand). VCF-style: chr13-51950412-C-A. GRCh37 (hg19) VCF-style: chr13-52524548-C-A.
Other names: c.1962-13G>T (NM_001406541.1, NM_001005918.3, NM_001406546.1 and 1 more transcripts); c.2196-13G>T (NM_001406531.1, NM_001406532.1, NM_001406540.1 and 1 more transcripts); c.2214-13G>T (NM_001406527.1, NM_001406528.1, NM_001406534.1 and 2 more transcripts); c.2304-13G>T (NM_001406537.1, NM_001406521.1, NM_001406522.1 and 1 more transcripts); c.2448-13G>T (NM_001406513.1, NM_001406511.1, NM_001406516.1 and 7 more transcripts); c.2100-13G>T (NM_001406543.1); c.2115-13G>T (NM_001243182.2); c.1286-251G>T (NM_001406548.1); and 8 more.
Identifiers: ClinVar variation 3069582 (VCV003069582.2), dbSNP rs1361076729, ClinGen allele CA2825002199.